The following is an entry in ClinVar:

NM_001035.3(RYR2):c.4991T>C (p.Val1664Ala)

Gene: RYR2 (ryanodine receptor 2; plus strand). Cytogenetic location: 1q43.
Variant type: single nucleotide variant.
Coding change: c.4991T>C on transcript NM_001035.3 (MANE Select); coding-DNA position 4991, T replaced by C.
Protein change: p.Val1664Ala; replaces valine 1664 with alanine.
Molecular consequence: missense variant.
Genome position (GRCh38, 1-based): chr1:237,614,119, T>C. VCF-style: chr1-237614119-T-C. GRCh37 (hg19) VCF-style: chr1-237777419-T-C.
Other names: short protein forms V1664A.
Identifiers: ClinVar variation 3072376 (VCV003072376.1), dbSNP rs878854158, ClinGen allele CA345403785.

ClinVar aggregate classification (germline): Uncertain significance (1 of 4 stars; one submission).

Conditions:
Catecholaminergic polymorphic ventricular tachycardia (CVPT). Also called: Catecholamine-induced polymorphic ventricular tachycardia. Identifiers: Orphanet 3286, MedGen C5574922, MONDO:0017990.

Allele frequency attached by ClinVar (database versions not stated): TOPMed below 0.00001.
gnomAD v4.1: 1 of 1,614,036 alleles (0.000062%); highest among the groups gnomAD compares: East Asian, 0.0022%; no homozygotes.

Submission:

All of Us Research Program, National Institutes of Health
Classification: Uncertain significance for Catecholaminergic polymorphic ventricular tachycardia. Last evaluated: 2023-07-10. Review status: criteria provided, single submitter. Criteria: ACMG Guidelines, 2015. Collection method: clinical testing. Allele origin: germline. Inheritance: Autosomal dominant inheritance. Observed: 1 variant allele, 1 heterozygote.
Comment: This missense variant replaces valine with alanine at codon 1664 of the RYR2 protein. Computational prediction is inconclusive regarding the impact of this variant on protein structure and function (internally defined REVEL score threshold 0.5 < inconclusive < 0.7, PMID: 27666373). To our knowledge, functional studies have not been reported for this variant. This variant has not been reported in individuals affected with RYR2-related disorders in the literature. This variant has been identified in 1/249012 chromosomes in the general population by the Genome Aggregation Database (gnomAD). The available evidence is insufficient to determine the role of this variant in disease conclusively. Therefore, this variant is classified as a Variant of Uncertain Significance.

This study involves interpretation of variants in research participants for the purpose of population health screening. Participant phenotype was not available at the time of variant classification. Additional details can be found in publication PMID: 35346344, PMCID: PMC8962531